The following is an entry in ClinVar:

NM_001282933.2(ZNF341):c.553C>T (p.Pro185Ser)

Gene: ZNF341 (zinc finger protein 341; plus strand). Cytogenetic location: 20q11.22.
Variant type: single nucleotide variant.
Coding change: c.553C>T on transcript NM_001282933.2 (MANE Select); coding-DNA position 553, C replaced by T.
Protein change: p.Pro185Ser; replaces proline 185 with serine.
Molecular consequence: missense variant. On other transcripts: non-coding transcript variant (1).
Genome position (GRCh38, 1-based): chr20:33,753,235, C>T. VCF-style: chr20-33753235-C-T. GRCh37 (hg19) VCF-style: chr20-32341041-C-T.
Other names: p.Pro185Ser; c.553C>T (NM_001282933.1); c.283C>T, p.Pro95Ser (NM_001282935.2); c.553C>T, p.Pro185Ser (NM_032819.5); short protein forms P185S, P95S.
Identifiers: ClinVar variation 1168180 (VCV001168180.39), dbSNP rs45577437, ClinGen allele CA9819212.
Genomic context (GRCh38, chr20:33,753,235, plus strand): 5'-AGCCTGAACATGCATTCCGTGCCCAGCTACCTCACCCAGCCTCCACCTCCTCCTCCACCT[C>T]CTCCACCACTGCCCCCACCGCCACCACCTCAGCCTCCACCACCTCCACCCCAGAGCCTGG-3'
Protein context (NP_001269862.1, residues 175-195): LTQPPPPPPP[Pro185Ser]PPLPPPPPPQ

ClinVar aggregate classification (germline): Benign/Likely benign. Review status: criteria provided, multiple submitters, no conflicts (2 of 4 stars). 8 submissions from 8 submitters: Benign (5); Likely benign (2). 1 of the submissions does not count toward it. Last evaluated 2026-02-13.

Conditions:
ZNF341-related disorder. Also called: ZNF341-related condition.
Hyper-IgE recurrent infection syndrome 3, autosomal recessive. Also called: HYPER-IgE SYNDROME 3, AUTOSOMAL RECESSIVE, WITH RECURRENT INFECTIONS; Autosomal recessive hyper-IgE syndrome due to ZNF341 deficiency. Identifiers: Orphanet 641368, MedGen C4748969, MONDO:0032654, OMIM 618282.

Allele frequency attached by ClinVar (database versions not stated): 1000 Genomes Project 30x 0.00250; ESP Exome Variant Server 0.00254; 1000 Genomes Project 0.00260; gnomAD 0.00260 and 0.00281; gnomAD exomes 0.00325 and 0.00367; ExAC 0.00327.
gnomAD v4.1: 5,830 of 1,611,952 alleles (0.36%); highest among the groups gnomAD compares: Middle Eastern, 1.5%; 28 homozygotes.

Submissions (8):

Women's Health and Genetics/Laboratory Corporation of America, LabCorp
Classification: Benign. Last evaluated: 2026-02-13. Review status: criteria provided, single submitter. Criteria: LabCorp Variant Classification Summary - May 2015. Collection method: clinical testing. Allele origin: germline.
Comment: Variant summary: ZNF341 c.553C>T (p.Pro185Ser) results in a non-conservative amino acid change in the encoded protein sequence. Algorithms developed to predict the effect of missense changes on protein structure and function are either unavailable or do not agree on the potential impact of this missense change. The variant allele was found at a frequency of 0.0033 in 250406 control chromosomes in the gnomAD database, including 2 homozygotes. The observed variant frequency exceeds the estimated maximal expected allele frequency for disease-causing variants in ZNF341. To our knowledge, no occurrence of c.553C>T in individuals affected with ZNF341-related conditions and no experimental evidence demonstrating its impact on protein function have been reported. ClinVar contains an entry for this variant (Variation ID: 1168180). Based on the evidence outlined above, the variant was classified as benign.

Labcorp Genetics (formerly Invitae), Labcorp
Classification: Benign. Last evaluated: 2026-02-04. Review status: criteria provided, single submitter. Criteria: Invitae Variant Classification Sherloc (09022015). Collection method: clinical testing. Allele origin: germline.

Mayo Clinic Laboratories, Mayo Clinic
Classification: Benign. Last evaluated: 2025-06-24. Review status: criteria provided, single submitter. Criteria: ACMG Guidelines, 2015. Collection method: clinical testing. Allele origin: germline. Observed: 3 variant alleles.
Comment: BS1, BS2, BP4

CeGaT Center for Human Genetics Tuebingen
Classification: Likely benign. Last evaluated: 2025-01-01. Review status: criteria provided, single submitter. Criteria: CeGaT Center For Human Genetics Tuebingen Variant Classification Criteria Version 2. Collection method: clinical testing. Allele origin: germline. Affected: yes. Observed: 6 variant alleles.
Comment: ZNF341: BS2

Blueprint Genetics
Classification: Likely benign. Last evaluated: 2024-11-26. Review status: criteria provided, single submitter. Criteria: ACMG Guidelines, 2015. Collection method: clinical testing. Allele origin: germline.

Fulgent Genetics
Classification: Benign for Hyper-IgE recurrent infection syndrome 3, autosomal recessive. Last evaluated: 2021-10-12. Review status: criteria provided, single submitter. Criteria: ACMG Guidelines, 2015. Collection method: clinical testing. Allele origin: unknown.

Breakthrough Genomics
Classification: Benign. Review status: criteria provided, single submitter. Criteria: ACMG Guidelines, 2015. Collection method: not provided. Allele origin: germline. Inheritance: Autosomal recessive inheritance. Affected: yes.

PreventionGenetics, part of Exact Sciences
Classification: Likely benign for ZNF341-related condition. Last evaluated: 2019-05-13. Review status: no assertion criteria provided. Collection method: clinical testing. Allele origin: germline. Not counted in ClinVar's aggregate classification.
Comment: This variant is classified as likely benign based on ACMG/AMP sequence variant interpretation guidelines (Richards et al. 2015 PMID: 25741868, with internal and published modifications).